The following is an entry in ClinVar:

NM_000384.3(APOB):c.9380_9381delinsTT (p.Asn3127Ile)

Gene: APOB (apolipoprotein B; minus strand). Cytogenetic location: 2p24.1.
Variant type: Indel.
Coding change: c.9380_9381delinsTT on transcript NM_000384.3 (MANE Select); coding-DNA positions 9380 to 9381, AC replaced by TT.
Protein change: p.Asn3127Ile; replaces asparagine 3127 with isoleucine.
Molecular consequence: missense variant.
Genome position (GRCh38, 1-based): chr2:21,007,487-21,007,488, GT replaced by AA on the plus strand (AC replaced by TT on the coding strand, the reverse complement: APOB is on the minus strand). VCF-style: chr2-21007487-GT-AA. GRCh37 (hg19) VCF-style: chr2-21230359-GT-AA.
Other names: c.9380_9381delACinsTT (NM_000384.2); short protein forms N3127I.
Identifiers: ClinVar variation 4124778 (VCV004124778.1), dbSNP rs1663177837.

ClinVar aggregate classification (germline): Uncertain significance (1 of 4 stars; one submission).

Conditions:
Cardiovascular phenotype. Identifiers: MedGen CN230736.

Submission:

Ambry Genetics
Classification: Uncertain significance for Cardiovascular phenotype. Last evaluated: 2025-07-14. Review status: criteria provided, single submitter. Criteria: Ambry Variant Classification Scheme 2023. Collection method: clinical testing. Allele origin: germline.
Comment: The c.9380_9381delACinsTT variant, located in coding exon 26 of the APOB gene, results from an in-frame deletion of AC and insertion of TT at nucleotide positions 9380 to 9381. This results in the substitution of the asparagine residue for an isoleucine residue at codon 3127, an amino acid with dissimilar properties. This variant has been reported in a whole exome sequencing cohort (Halford JL et al. Nat Commun, 2022 Aug;13:5106). This amino acid position is not well conserved in available vertebrate species. In addition, the in silico prediction for this variant is inconclusive (Choi Y et al. PLoS ONE. 2012; 7(10):e46688). Based on the available evidence, the clinical significance of this variant remains unclear.

Literature cited by the submitters: PubMed 36042188.